The following is an entry in ClinVar:

NM_000117.3(EMD):c.497A>G (p.His166Arg)

Gene: EMD (emerin; plus strand). Cytogenetic location: Xq28.
Variant type: single nucleotide variant.
Coding change: c.497A>G on transcript NM_000117.3 (MANE Select); coding-DNA position 497, A replaced by G.
Protein change: p.His166Arg; replaces histidine 166 with arginine.
Molecular consequence: missense variant.
Genome position (GRCh38, 1-based): chrX:154,380,929, A>G. VCF-style: chrX-154380929-A-G. GRCh37 (hg19) VCF-style: chrX-153609289-A-G.
Other names: c.497A>G (NM_000117.2); short protein forms H166R.
Identifiers: ClinVar variation 1420818 (VCV001420818.7), dbSNP rs1016943599, ClinGen allele CA337290105.

ClinVar aggregate classification (germline): Uncertain significance. Review status: criteria provided, multiple submitters, no conflicts (2 of 4 stars). 2 submissions from 2 submitters: Uncertain significance (2). Last evaluated 2025-02-17.

Conditions:
X-linked Emery-Dreifuss muscular dystrophy. Also called: Muscular dystrophy, tardive Emery-Dreifuss type, with contractures. Identifiers: Orphanet 261, Orphanet 98863, MedGen C0751337, MONDO:0010680.
Cardiovascular phenotype. Identifiers: MedGen CN230736.

Allele frequency attached by ClinVar (database versions not stated): gnomAD exomes 0.00001.

Submissions (2):

Labcorp Genetics (formerly Invitae), Labcorp
Classification: Uncertain significance for X-linked Emery-Dreifuss muscular dystrophy. Last evaluated: 2025-02-17. Review status: criteria provided, single submitter. Criteria: Invitae Variant Classification Sherloc (09022015). Collection method: clinical testing. Allele origin: germline.
Comment: This sequence change replaces histidine, which is basic and polar, with arginine, which is basic and polar, at codon 166 of the EMD protein (p.His166Arg). This variant is not present in population databases (gnomAD no frequency). This variant has not been reported in the literature in individuals affected with EMD-related conditions. ClinVar contains an entry for this variant (Variation ID: 1420818). Invitae Evidence Modeling of protein sequence and biophysical properties (such as structural, functional, and spatial information, amino acid conservation, physicochemical variation, residue mobility, and thermodynamic stability) indicates that this missense variant is not expected to disrupt EMD protein function with a negative predictive value of 80%. In summary, the available evidence is currently insufficient to determine the role of this variant in disease. Therefore, it has been classified as a Variant of Uncertain Significance.

Ambry Genetics
Classification: Uncertain significance for Cardiovascular phenotype. Last evaluated: 2023-01-03. Review status: criteria provided, single submitter. Criteria: Ambry Variant Classification Scheme 2023. Collection method: clinical testing. Allele origin: germline.
Comment: The p.H166R variant (also known as c.497A>G), located in coding exon 6 of the EMD gene, results from an A to G substitution at nucleotide position 497. The histidine at codon 166 is replaced by arginine, an amino acid with highly similar properties. This amino acid position is well conserved in available vertebrate species. In addition, this alteration is predicted to be tolerated by in silico analysis. Since supporting evidence is limited at this time, the clinical significance of this alteration remains unclear.